The following is an entry in ClinVar:

NM_014629.4(ARHGEF10):c.50A>G (p.Lys17Arg)

Gene: ARHGEF10 (Rho guanine nucleotide exchange factor 10; plus strand). Cytogenetic location: 8p23.3.
Variant type: single nucleotide variant.
Coding change: c.50A>G on transcript NM_014629.4 (MANE Select); coding-DNA position 50, A replaced by G.
Protein change: p.Lys17Arg; replaces lysine 17 with arginine.
Molecular consequence: missense variant.
Genome position (GRCh38, 1-based): chr8:1,857,972, A>G. VCF-style: chr8-1857972-A-G. GRCh37 (hg19) VCF-style: chr8-1806138-A-G.
Other names: c.50A>G, p.Lys17Arg (NM_001308152.2, NM_001308153.3); short protein forms K17R, K41R.
Identifiers: ClinVar variation 2770017 (VCV002770017.3), dbSNP rs2536833199, ClinGen allele CA369954767.
Genomic context (GRCh38, chr8:1,857,972, plus strand): 5'-ATCTATCTATCTATCTCTCCTTGATGTGGTTTTGGTTTTTCTTTTTAGAAAATGAAATGA[A>G]ATATGATACCAATAATAATGAAGAGGAAGAGGGAGAACAGTTCGATTTTGACAGTGGAGA-3'
Protein context (NP_055444.2, residues 7-27): LPPAPAENEM[Lys17Arg]YDTNNNEEEE

ClinVar aggregate classification (germline): Uncertain significance (1 of 4 stars; one submission).

Submission:

Labcorp Genetics (formerly Invitae), Labcorp
Classification: Uncertain significance. Last evaluated: 2024-01-15. Review status: criteria provided, single submitter. Criteria: Invitae Variant Classification Sherloc (09022015). Collection method: clinical testing. Allele origin: germline.
Comment: This sequence change replaces lysine, which is basic and polar, with arginine, which is basic and polar, at codon 17 of the ARHGEF10 protein (p.Lys17Arg). This variant is not present in population databases (gnomAD no frequency). This variant has not been reported in the literature in individuals affected with ARHGEF10-related conditions. An algorithm developed to predict the effect of missense changes on protein structure and function (PolyPhen-2) suggests that this variant is likely to be disruptive. In summary, the available evidence is currently insufficient to determine the role of this variant in disease. Therefore, it has been classified as a Variant of Uncertain Significance.